The following is an entry in ClinVar:

NM_139281.3(WDR36):c.1177G>A (p.Ala393Thr)

Gene: WDR36 (WD repeat domain 36; plus strand). Cytogenetic location: 5q22.1.
Variant type: single nucleotide variant.
Coding change: c.1177G>A on transcript NM_139281.3 (MANE Select); coding-DNA position 1177, G replaced by A.
Protein change: p.Ala393Thr; replaces alanine 393 with threonine.
Molecular consequence: missense variant.
Genome position (GRCh38, 1-based): chr5:111,106,140, G>A. VCF-style: chr5-111106140-G-A. GRCh37 (hg19) VCF-style: chr5-110441839-G-A.
Other names: A449T; short protein forms A393T.
Identifiers: ClinVar variation 1582 (VCV000001582.14), dbSNP rs35703638, ClinGen allele CA115073.

ClinVar aggregate classification (germline): Benign/Likely benign. Review status: criteria provided, multiple submitters, no conflicts (2 of 4 stars). 5 submissions from 5 submitters: Benign (1); Likely benign (2). 2 of the submissions do not count toward it. Last evaluated 2025-12-25.

Conditions:
WDR36-related disorder. Also called: WDR36-related condition.
Usher syndrome type 2C. Also called: Usher syndrome, type 2B; USHER SYNDROME, TYPE IIC. Identifiers: Orphanet 231178, Orphanet 886, MedGen C2931213, MONDO:0011558, OMIM 605472.
Glaucoma 1, open angle, G (GLC1G). Identifiers: MedGen C1835933, OMIM 609887, MONDO:0012357.

Allele frequency attached by ClinVar (database versions not stated): gnomAD 0.00326 and 0.00456; TOPMed 0.00384; gnomAD exomes 0.00622 and 0.00826; ExAC 0.00852; 1000 Genomes Project 0.01038; 1000 Genomes Project 30x 0.01109.
gnomAD v4.1: 9,818 of 1,609,244 alleles (0.61%); highest among the groups gnomAD compares: South Asian, 4%; 147 homozygotes.

Submissions (5):

Labcorp Genetics (formerly Invitae), Labcorp
Classification: Benign. Last evaluated: 2025-12-25. Review status: criteria provided, single submitter. Criteria: Invitae Variant Classification Sherloc (09022015). Collection method: clinical testing. Allele origin: germline.

Breakthrough Genomics
Classification: Likely benign. Review status: criteria provided, single submitter. Criteria: ACMG Guidelines, 2015. Collection method: not provided. Allele origin: germline. Inheritance: Unknown mechanism. Affected: yes.

Broad Center for Mendelian Genomics, Broad Institute of MIT and Harvard
Classification: Likely benign for Usher syndrome type 2C. Review status: criteria provided, single submitter. Criteria: ACMG Guidelines, 2015. Collection method: research. Allele origin: germline. Affected: yes.
Comment: The heterozygous p.Ala449Thr variant in WDR36 has been identified in at least 2 individuals with primary open angle glaucoma (PMID: 15677485, 19150991, 22995991). However, this variant has also been described as a benign polymorphism that does not segregate with disease (PMID: 18172102), and has been identified in >3% of South Asian chromosomes and 31 homozygotes by ExAC. Models in yeast suggest that this variant does not cause primary open angle glaucoma (PMID: 19150991). In summary, although additional studies are required to fully establish its clinical significance, this variant meets criteria to be classified as likely benign for primary open angle glaucoma.

PreventionGenetics, part of Exact Sciences
Classification: Benign for WDR36-related condition. Last evaluated: 2024-09-24. Review status: no assertion criteria provided. Collection method: clinical testing. Allele origin: germline. Not counted in ClinVar's aggregate classification.
Comment: This variant is classified as benign based on ACMG/AMP sequence variant interpretation guidelines (Richards et al. 2015 PMID: 25741868, with internal and published modifications).

OMIM
Classification: Uncertain significance for RECLASSIFIED - VARIANT OF UNKNOWN SIGNIFICANCE. Last evaluated: 2008-01-01. Review status: no assertion criteria provided. Collection method: literature only. Allele origin: germline. Not counted in ClinVar's aggregate classification.

Literature cited by the submitters: PubMed 15677485 (cited by Broad Center for Mendelian Genomics, Broad Institute of MIT and Harvard and OMIM); PubMed 22995991 (cited by Broad Center for Mendelian Genomics, Broad Institute of MIT and Harvard); PubMed 19150991 (cited by Broad Center for Mendelian Genomics, Broad Institute of MIT and Harvard); PubMed 25333069 (cited by Broad Center for Mendelian Genomics, Broad Institute of MIT and Harvard); PubMed 18172102 (cited by OMIM).